The following is an entry in ClinVar:

NM_194277.3(FRMD7):c.562G>A (p.Gly188Ser)

Gene: FRMD7 (FERM domain containing 7; minus strand). Cytogenetic location: Xq26.2.
Variant type: single nucleotide variant.
Coding change: c.562G>A on transcript NM_194277.3 (MANE Select); coding-DNA position 562, G replaced by A.
Protein change: p.Gly188Ser; replaces glycine 188 with serine.
Molecular consequence: missense variant.
Genome position (GRCh38, 1-based): chrX:132,085,664, C>T on the plus strand (G>A on the coding strand, the complement: FRMD7 is on the minus strand). VCF-style: chrX-132085664-C-T. GRCh37 (hg19) VCF-style: chrX-131219692-C-T.
Other names: c.517G>A, p.Gly173Ser (NM_001306193.2); c.562G>A (NM_194277.2); short protein forms G173S, G188S.
Identifiers: ClinVar variation 1487549 (VCV001487549.8), dbSNP rs1295286825, ClinGen allele CA414681114.

ClinVar aggregate classification (germline): Uncertain significance. Review status: criteria provided, multiple submitters, no conflicts (2 of 4 stars). 3 submissions from 3 submitters: Uncertain significance (3). Last evaluated 2025-04-30.

Allele frequency attached by ClinVar (database versions not stated): gnomAD exomes below 0.00001 and 0.00001; TOPMed 0.00001.
gnomAD v4.1: 3 of 1,208,367 alleles (0.00025%); highest among the groups gnomAD compares: Admixed American, 0.0065%; no homozygotes.

Submissions (3):

GeneDx
Classification: Uncertain significance. Last evaluated: 2025-04-30. Review status: criteria provided, single submitter. Criteria: GeneDx Variant Classification Process June 2021. Collection method: clinical testing. Allele origin: germline. Affected: yes.
Comment: In silico analysis supports that this missense variant has a deleterious effect on protein structure/function; Has not been previously published as pathogenic or benign to our knowledge

Labcorp Genetics (formerly Invitae), Labcorp
Classification: Uncertain significance. Last evaluated: 2023-06-16. Review status: criteria provided, single submitter. Criteria: Invitae Variant Classification Sherloc (09022015). Collection method: clinical testing. Allele origin: germline.
Comment: In summary, the available evidence is currently insufficient to determine the role of this variant in disease. Therefore, it has been classified as a Variant of Uncertain Significance. An algorithm developed to predict the effect of missense changes on protein structure and function (PolyPhen-2) suggests that this variant is likely to be disruptive. ClinVar contains an entry for this variant (Variation ID: 1487549). This variant has not been reported in the literature in individuals affected with FRMD7-related conditions. This variant is present in population databases (no rsID available, gnomAD 0.004%), including at least one homozygous and/or hemizygous individual. This sequence change replaces glycine, which is neutral and non-polar, with serine, which is neutral and polar, at codon 188 of the FRMD7 protein (p.Gly188Ser).

Blueprint Genetics
Classification: Uncertain significance. Last evaluated: 2019-09-19. Review status: criteria provided, single submitter. Criteria: ACMG Guidelines, 2015. Collection method: clinical testing. Allele origin: germline.